The following is an entry in ClinVar:

ClinVar aggregate classification (germline): Likely pathogenic (1 of 4 stars; one submission).

Conditions:
Junctional epidermolysis bullosa gravis of Herlitz. Also called: Herlitz-type junctional epidermolysis bullosa; Epidermolysis Bullosa Letalis; EPIDERMOLYSIS BULLOSA, JUNCTIONAL 1B, SEVERE; EPIDERMOLYSIS BULLOSA JUNCTIONALIS, HERLITZ TYPE; EPIDERMOLYSIS BULLOSA, JUNCTIONAL, HERLITZ-PEARSON TYPE; JEB-HERLITZ TYPE. Identifiers: Orphanet 79404, MedGen C0079683, MONDO:0009182, OMIM 226700.

Submission:

Myriad Genetics, Inc.
Classification: Likely pathogenic for Junctional epidermolysis bullosa gravis of Herlitz. Last evaluated: 2019-08-09. Review status: criteria provided, single submitter. Criteria: Myriad Women's Health Autosomal Recessive and X-Linked Classification Criteria (2019). Collection method: clinical testing. Allele origin: unknown.
Comment: NM_000228.2(LAMB3):c.3130G>T(E1044*) is expected to be pathogenic in the context of Herlitz junctional epidermolysis bullosa, LAMB3-related. This variant is predicted to lead to an abnormal or absent protein product due to the creation of a premature termination codon in LAMB3, a gene where loss-of-function variants are known to be pathogenic. Please note: this variant was assessed in the context of healthy population screening.

NM_000228.3(LAMB3):c.3130G>T (p.Glu1044Ter)

Gene: LAMB3 (laminin subunit beta 3; minus strand). Cytogenetic location: 1q32.2.
Variant type: single nucleotide variant.
Coding change: c.3130G>T on transcript NM_000228.3 (MANE Select); coding-DNA position 3130, G replaced by T.
Protein change: p.Glu1044Ter; replaces glutamic acid 1044 with a stop codon.
Molecular consequence: nonsense.
Genome position (GRCh38, 1-based): chr1:209,617,508, C>A on the plus strand (G>T on the coding strand, the complement: LAMB3 is on the minus strand). VCF-style: chr1-209617508-C-A. GRCh37 (hg19) VCF-style: chr1-209790853-C-A.
Other names: c.3130G>T, p.Glu1044Ter (NM_001017402.2, NM_001127641.1); short protein forms E1044*.
Identifiers: ClinVar variation 983934 (VCV000983934.3), dbSNP rs1666014535, ClinGen allele CA344584106.